The following is an entry in ClinVar:

ClinVar aggregate classification (germline): Uncertain significance (1 of 4 stars; one submission).

Conditions:
Dilated cardiomyopathy 1DD (CMD1DD). Identifiers: Orphanet 154, MedGen C2750995, MONDO:0013168, OMIM 613172.

Allele frequency attached by ClinVar (database versions not stated): gnomAD exomes 0.00001.
gnomAD v4.1: 19 of 1,550,156 alleles (0.0012%); highest among the groups gnomAD compares: Non-Finnish European, 0.0017%; no homozygotes.

Submission:

Labcorp Genetics (formerly Invitae), Labcorp
Classification: Uncertain significance for Dilated cardiomyopathy 1DD. Last evaluated: 2024-05-02. Review status: criteria provided, single submitter. Criteria: Invitae Variant Classification Sherloc (09022015). Collection method: clinical testing. Allele origin: germline.
Comment: This sequence change replaces alanine, which is neutral and non-polar, with valine, which is neutral and non-polar, at codon 447 of the RBM20 protein (p.Ala447Val). This variant is not present in population databases (gnomAD no frequency). This variant has not been reported in the literature in individuals affected with RBM20-related conditions. ClinVar contains an entry for this variant (Variation ID: 2198359). An algorithm developed to predict the effect of missense changes on protein structure and function (PolyPhen-2) suggests that this variant is likely to be tolerated. In summary, the available evidence is currently insufficient to determine the role of this variant in disease. Therefore, it has been classified as a Variant of Uncertain Significance.

NM_001134363.3(RBM20):c.1340C>T (p.Ala447Val)

Gene: RBM20 (RNA binding motif protein 20; plus strand). Cytogenetic location: 10q25.2.
Variant type: single nucleotide variant.
Coding change: c.1340C>T on transcript NM_001134363.3 (MANE Select); coding-DNA position 1340, C replaced by T.
Protein change: p.Ala447Val; replaces alanine 447 with valine.
Molecular consequence: missense variant.
Genome position (GRCh38, 1-based): chr10:110,784,343, C>T. VCF-style: chr10-110784343-C-T. GRCh37 (hg19) VCF-style: chr10-112544101-C-T.
Other names: short protein forms A447V.
Identifiers: ClinVar variation 2198359 (VCV002198359.4), dbSNP rs777519766, ClinGen allele CA213236256.